The following is an entry in ClinVar:

ClinVar aggregate classification (germline): Uncertain significance (1 of 4 stars; one submission).

Submission:

Labcorp Genetics (formerly Invitae), Labcorp
Classification: Uncertain significance. Last evaluated: 2025-05-06. Review status: criteria provided, single submitter. Criteria: Invitae Variant Classification Sherloc (09022015). Collection method: clinical testing. Allele origin: germline.
Comment: This sequence change falls in intron 12 of the GGCX gene. It does not directly change the encoded amino acid sequence of the GGCX protein. Information on the frequency of this variant in the gnomAD database is not available, as this variant may be reported differently in the database. This variant has not been reported in the literature in individuals affected with GGCX-related conditions. Experimental studies and prediction algorithms are not available or were not evaluated, and the effect of this variant on mRNA splicing is currently unknown. In summary, the available evidence is currently insufficient to determine the role of this variant in disease. Therefore, it has been classified as a Variant of Uncertain Significance.

NM_000821.7(GGCX):c.1741-14_1741-13inv

Gene: GGCX (gamma-glutamyl carboxylase; minus strand). Cytogenetic location: 2p11.2.
Variant type: Inversion.
Coding change: c.1741-14_1741-13inv on transcript NM_000821.7 (MANE Select).
Molecular consequence: intron variant.
Genome position: GRCh38 VCF-style: chr2-85551085-AA-TT. GRCh37 (hg19) VCF-style: chr2-85778208-AA-TT.
Other names: c.1570-14_1570-13inv (NM_001142269.4).
Identifiers: ClinVar variation 4770179 (VCV004770179.1).